The following is an entry in ClinVar:

ClinVar aggregate classification (germline): Likely benign. Review status: criteria provided, multiple submitters, no conflicts (2 of 4 stars). 2 submissions from 2 submitters: Likely benign (2). Last evaluated 2026-06-03.

Conditions:
ELP1-related disorder. Also called: ELP1-related condition.

Allele frequency attached by ClinVar (database versions not stated): gnomAD exomes below 0.00001; gnomAD 0.00003; TOPMed 0.00003.
gnomAD v4.1: 7 of 1,610,666 alleles (0.00043%); highest among the groups gnomAD compares: African/African-American, 0.0068%; no homozygotes.

Submissions (2):

PreventionGenetics, part of Exact Sciences
Classification: Likely benign for ELP1-related condition. Last evaluated: 2026-06-03. Review status: criteria provided, single submitter. Criteria: ACMG Guidelines, 2015. Collection method: clinical testing. Allele origin: germline.
Comment: This variant is classified as likely benign based on ACMG/AMP sequence variant interpretation guidelines (Richards et al. 2015 PMID: 25741868, with internal and published modifications).

Labcorp Genetics (formerly Invitae), Labcorp
Classification: Likely benign. Last evaluated: 2026-01-05. Review status: criteria provided, single submitter. Criteria: Invitae Variant Classification Sherloc (09022015). Collection method: clinical testing. Allele origin: germline.

NM_003640.5(ELP1):c.741-8G>A

Gene: ELP1 (elongator acetyltransferase complex subunit 1; minus strand). Cytogenetic location: 9q31.3.
Variant type: single nucleotide variant.
Coding change: c.741-8G>A on transcript NM_003640.5 (MANE Select); 8 bases into the intron before coding-DNA position 741, G replaced by A.
Molecular consequence: intron variant.
Genome position (GRCh38, 1-based): chr9:108,917,678, C>T on the plus strand (G>A on the coding strand, the complement: ELP1 is on the minus strand). VCF-style: chr9-108917678-C-T. GRCh37 (hg19) VCF-style: chr9-111679958-C-T.
Other names: c.399-8G>A (NM_001318360.2); c.-307-8G>A (NM_001330749.2); c.741-8G>A (NM_003640.4).
Identifiers: ClinVar variation 1381301 (VCV001381301.7), dbSNP rs962023744, ClinGen allele CA197521830.
Genomic context (GRCh38, chr9:108,917,678, plus strand): 5'-TATCCTGCTGGTTGGGTTTATCTTGTGTAGATGCAATCAAACTGCCTGAGGGTCTTAAAG[C>T]AAACTCAGAGTGTTACAATATCGAAAGCTCACCTAACTAAAGAATAGATAAAATCCAGAA-3'